The following is an entry in ClinVar:

ClinVar aggregate classification (germline): Benign/Likely benign. Review status: criteria provided, multiple submitters, no conflicts (2 of 4 stars). 2 submissions from 2 submitters: Benign (1); Likely benign (1). Last evaluated 2026-09-22.

Conditions:
Colorectal cancer, hereditary nonpolyposis, type 7. Identifiers: Orphanet 144, MedGen C1858380, MONDO:0013725, OMIM 614385.

Submissions (2):

Myriad Genetics, Inc.
Classification: Benign for Colorectal cancer, hereditary nonpolyposis, type 7. Last evaluated: 2026-09-22. Review status: criteria provided, single submitter. Criteria: Myriad Autosomal Dominant, Autosomal Recessive and X-Linked Classification Criteria (2023). Collection method: clinical testing. Allele origin: unknown.
Comment: This variant is considered benign. This variant is a silent/synonymous amino acid change and it is not expected to impact splicing.

Ambry Genetics
Classification: Likely benign. Last evaluated: 2025-06-03. Review status: criteria provided, single submitter. Criteria: Ambry Variant Classification Scheme 2023. Collection method: clinical testing. Allele origin: germline.

NM_001040108.2(MLH3):c.45T>C (p.Ser15=)

Gene: MLH3 (mutL homolog 3; minus strand). Cytogenetic location: 14q24.3.
Variant type: single nucleotide variant.
Coding change: c.45T>C on transcript NM_001040108.2 (MANE Select); coding-DNA position 45, T replaced by C.
Protein change: p.Ser15=; no amino-acid change (serine 15 retained).
Molecular consequence: synonymous variant.
Genome position (GRCh38, 1-based): chr14:75,049,611, A>G on the plus strand (T>C on the coding strand, the complement: MLH3 is on the minus strand). VCF-style: chr14-75049611-A-G. GRCh37 (hg19) VCF-style: chr14-75516314-A-G.
Other names: c.45T>C, p.Ser15= (NM_014381.3).
Identifiers: ClinVar variation 4055440 (VCV004055440.2).